The following is an entry in ClinVar:

ClinVar aggregate classification (germline): Uncertain significance. Review status: criteria provided, multiple submitters, no conflicts (2 of 4 stars). 2 submissions from 2 submitters: Uncertain significance (2). Last evaluated 2025-10-22.

Conditions:
Inborn genetic diseases. Identifiers: MedGen C0950123, MeSH D030342.

gnomAD v4.1: 2 of 1,610,848 alleles (0.00012%); highest among the groups gnomAD compares: Non-Finnish European, 0.00017%; no homozygotes.

Submissions (2):

Women's Health and Genetics/Laboratory Corporation of America, LabCorp
Classification: Uncertain significance. Last evaluated: 2025-10-22. Review status: criteria provided, single submitter. Criteria: LabCorp Variant Classification Summary - May 2015. Collection method: clinical testing. Allele origin: germline.
Comment: Variant summary: ERCC2 c.587G>C (p.Arg196Pro) results in a non-conservative amino acid change in the encoded protein sequence. Algorithms developed to predict the effect of missense changes on protein structure and function all suggest that this variant is likely to be disruptive. The variant was absent in 250858 control chromosomes. The available data on variant occurrences in the general population are insufficient to allow any conclusion about variant significance. c.587G>C has been observed in individual(s) affected with Trichothiodystrophy (Rossmanith_2024). These report(s) do not provide unequivocal conclusions about association of the variant with Trichothiodystrophy. To our knowledge, no experimental evidence demonstrating an impact on protein function has been reported. The following publication has been ascertained in the context of this evaluation (PMID: 39055713). ClinVar contains an entry for this variant (Variation ID: 1750252). Based on the evidence outlined above, the variant was classified as uncertain significance.

Ambry Genetics
Classification: Uncertain significance for Inborn genetic diseases. Last evaluated: 2024-02-03. Review status: criteria provided, single submitter. Criteria: Ambry Variant Classification Scheme 2023. Collection method: clinical testing. Allele origin: germline.
Comment: The p.R196P variant (also known as c.587G>C), located in coding exon 7 of the ERCC2 gene, results from a G to C substitution at nucleotide position 587. The arginine at codon 196 is replaced by proline, an amino acid with dissimilar properties. This amino acid position is conserved. In addition, this alteration is predicted to be deleterious by in silico analysis. Since supporting evidence is limited at this time, the clinical significance of this alteration remains unclear.

Literature cited by the submitters: PubMed 39055713 (cited by Women's Health and Genetics/Laboratory Corporation of America, LabCorp).

NM_000400.4(ERCC2):c.587G>C (p.Arg196Pro)

Gene: ERCC2 (ERCC excision repair 2, TFIIH core complex helicase subunit; minus strand). Cytogenetic location: 19q13.32.
Variant type: single nucleotide variant.
Coding change: c.587G>C on transcript NM_000400.4 (MANE Select); coding-DNA position 587, G replaced by C.
Protein change: p.Arg196Pro; replaces arginine 196 with proline.
Molecular consequence: missense variant.
Genome position (GRCh38, 1-based): chr19:45,364,845, C>G on the plus strand (G>C on the coding strand, the complement: ERCC2 is on the minus strand). VCF-style: chr19-45364845-C-G. GRCh37 (hg19) VCF-style: chr19-45868103-C-G.
Other names: c.515G>C, p.Arg172Pro (NM_001130867.2); short protein forms R172P, R196P.
Identifiers: ClinVar variation 1750252 (VCV001750252.3), dbSNP rs753293260, ClinGen allele CA406375603.